The following is an entry in ClinVar:

ClinVar aggregate classification (germline): Benign. Review status: criteria provided, multiple submitters, no conflicts (2 of 4 stars). 3 submissions from 3 submitters: Benign (2). 1 of the submissions does not count toward it. Last evaluated 2026-01-28.

Conditions:
IL12RB2-related disorder. Also called: IL12RB2-related condition.

Allele frequency attached by ClinVar (database versions not stated): gnomAD exomes 0.00039 and 0.00098; ExAC 0.00132; gnomAD 0.00405 and 0.00424; ESP Exome Variant Server 0.00408; TOPMed 0.00460; 1000 Genomes Project 0.00539; 1000 Genomes Project 30x 0.00578.
gnomAD v4.1: 1,221 of 1,612,410 alleles (0.076%); highest among the groups gnomAD compares: African/African-American, 1.4%; 16 homozygotes.

Submissions (4):

Labcorp Genetics (formerly Invitae), Labcorp
Classification: Benign. Last evaluated: 2026-01-28. Review status: criteria provided, single submitter. Criteria: Invitae Variant Classification Sherloc (09022015). Collection method: clinical testing. Allele origin: germline.

Breakthrough Genomics
Classification: Benign. Review status: criteria provided, single submitter. Criteria: ACMG Guidelines, 2015. Collection method: not provided. Allele origin: germline. Inheritance: Unknown mechanism. Affected: yes.

PreventionGenetics, part of Exact Sciences
Classification: Benign for IL12RB2-related condition. Last evaluated: 2019-04-10. Review status: no assertion criteria provided. Collection method: clinical testing. Allele origin: germline. Not counted in ClinVar's aggregate classification.
Comment: This variant is classified as benign based on ACMG/AMP sequence variant interpretation guidelines (Richards et al. 2015 PMID: 25741868, with internal and published modifications).

Dr. Peter K. Rogan Lab, Western University
No classification provided (evidence only). Condition: Clear cell carcinoma of kidney. Review status: no classification provided. Collection method: in vitro. Allele origin: not applicable. Functional consequence: retained intron. Not counted in ClinVar's aggregate classification.

NM_001374259.2(IL12RB2):c.1258G>A (p.Gly420Arg)

Gene: IL12RB2 (interleukin 12 receptor subunit beta 2; plus strand). Cytogenetic location: 1p31.3.
Variant type: single nucleotide variant.
Coding change: c.1258G>A on transcript NM_001374259.2 (MANE Select); coding-DNA position 1258, G replaced by A.
Protein change: p.Gly420Arg; replaces glycine 420 with arginine.
Molecular consequence: missense variant. On other transcripts: non-coding transcript variant (2).
Genome position (GRCh38, 1-based): chr1:67,351,089, G>A. VCF-style: chr1-67351089-G-A. GRCh37 (hg19) VCF-style: chr1-67816772-G-A.
Other names: c.1258G>A, p.Gly420Arg (NM_001258214.1, NM_001258215.1, NM_001258216.1 and 2 more transcripts); short protein forms G420R.
Identifiers: ClinVar variation 773812 (VCV000773812.13), dbSNP rs2307148, ClinGen allele CA900435.